The following is an entry in ClinVar:

ClinVar aggregate classification (germline): Conflicting classifications of pathogenicity. Review status: criteria provided, conflicting classifications (1 of 4 stars). 6 submissions from 6 submitters: Likely pathogenic (4); Uncertain significance (2). Last evaluated 2026-09-03.

Conditions:
CASR-related disorder. Also called: CASR-related condition.
Familial hypoparathyroidism. Also called: Familial isolated hypoparathyroidism. Identifiers: Orphanet 2238, MedGen C1832648, MONDO:0016390.
Autosomal dominant hypocalcemia 1 (HYPOC1). Also called: HYPOCALCEMIA, FAMILIAL. Identifiers: MedGen C3715128, MONDO:0011013, OMIM 601198.
Familial hypocalciuric hypercalcemia (FHH). Also called: Familial benign hypercalcemia. Identifiers: Orphanet 405, MedGen C1809471, MONDO:0018458.

Submissions (6):

Clinical Genetics Laboratory, Skane University Hospital Lund
Classification: Likely pathogenic for Familial hypoparathyroidism. Last evaluated: 2026-09-03. Review status: criteria provided, single submitter. Criteria: ACMG Guidelines, 2015. Collection method: clinical testing. Allele origin: germline. Affected: yes.
Comment: ACMG criteria used: PS4_Moderate, PM2, PP1_Moderate

Women's Health and Genetics/Laboratory Corporation of America, LabCorp
Classification: Uncertain significance. Last evaluated: 2026-06-26. Review status: criteria provided, single submitter. Criteria: LabCorp Variant Classification Summary - May 2015. Collection method: clinical testing. Allele origin: germline.
Comment: Variant summary: CASR c.1541A>G (p.Tyr514Cys) results in a non-conservative amino acid change in the encoded protein sequence. Algorithms developed to predict the effect of missense changes on protein structure and function all suggest that this variant is likely to be disruptive. The variant was absent in 251386 control chromosomes (gnomAD). The available data on variant occurrences in the general population are insufficient to allow any conclusion about variant significance. c.1541A>G has been observed in individuals affected with CASR-related conditions (e.g. Nissen_2012, Garca-Castao_2019). These reports do not provide unequivocal conclusions about association of the variant with disease. To our knowledge, no experimental evidence demonstrating an impact on protein function has been reported. The following publications have been ascertained in the context of this evaluation (PMID: 22192860, 30407919). ClinVar contains an entry for this variant (Variation ID: 2203416). Based on the evidence outlined above, the variant was classified as uncertain significance.

PreventionGenetics, part of Exact Sciences
Classification: Likely pathogenic for CASR-related condition. Last evaluated: 2026-05-21. Review status: criteria provided, single submitter. Criteria: ACMG Guidelines, 2015. Collection method: clinical testing. Allele origin: germline.
Comment: The CASR c.1541A>G variant is predicted to result in the amino acid substitution p.Tyr514Cys. This variant was reported in an individual with familial hypoparathyroidism; however, pathogenicity was not established with functional or segregation analysis (Nissen et al 2012. PubMed ID: 22192860). This variant was also described in a patient with hypocalcemic normocalciuria (García-Castaño et al. 2019. PubMed ID: 30407919). This variant has been observed at another CLIA-certified laboratory as a de novo occurrence in an individual with CASR-related disorders (personal communication with GeneDx, see ClinVar Variation ID: 2203416). This variant has not been reported in a large population database (gnomAD), indicating this variant is rare. This variant is interpreted as likely pathogenic.

GeneDx
Classification: Likely pathogenic. Last evaluated: 2022-09-22. Review status: criteria provided, single submitter. Criteria: GeneDx Variant Classification Process June 2021. Collection method: clinical testing. Allele origin: germline. Affected: yes.
Comment: Identified in patients with hypocalcemia and hypoparathyroidism in published literature, though parental testing was not discussed and detailed clinical information was not always provided (Nissen et al., 2012; Garca-Castao et al., 2019); Not observed at significant frequency in large population cohorts (gnomAD); In silico analysis supports that this missense variant does not alter protein structure/function; This variant is associated with the following publications: (PMID: 30407919, 22192860)

Labcorp Genetics (formerly Invitae), Labcorp
Classification: Uncertain significance for Familial hypocalciuric hypercalcemia; Autosomal dominant hypocalcemia 1. Last evaluated: 2022-07-23. Review status: criteria provided, single submitter. Criteria: Invitae Variant Classification Sherloc (09022015). Collection method: clinical testing. Allele origin: germline.
Comment: This sequence change replaces tyrosine, which is neutral and polar, with cysteine, which is neutral and slightly polar, at codon 514 of the CASR protein (p.Tyr514Cys). In summary, the available evidence is currently insufficient to determine the role of this variant in disease. Therefore, it has been classified as a Variant of Uncertain Significance. Algorithms developed to predict the effect of missense changes on protein structure and function (SIFT, PolyPhen-2, Align-GVGD) all suggest that this variant is likely to be disruptive. This missense change has been observed in individual(s) with clinical features of CASR-related conditions (PMID: 22192860, 30407919). This variant is not present in population databases (gnomAD no frequency).

Blueprint Genetics
Classification: Likely pathogenic for CASR-related disorders. Last evaluated: 2020-06-26. Review status: criteria provided, single submitter. Criteria: ACMG Guidelines, 2015. Collection method: clinical testing. Allele origin: germline. Affected: yes. Observed: 1 variant allele.

Literature cited by the submitters: PubMed 30407919 (cited by Women's Health and Genetics/Laboratory Corporation of America, LabCorp and Labcorp Genetics (formerly Invitae), Labcorp); PubMed 22192860 (cited by Women's Health and Genetics/Laboratory Corporation of America, LabCorp and Labcorp Genetics (formerly Invitae), Labcorp).

NM_000388.4(CASR):c.1541A>G (p.Tyr514Cys)

Gene: CASR (calcium sensing receptor; plus strand). Cytogenetic location: 3q21.1.
Variant type: single nucleotide variant.
Coding change: c.1541A>G on transcript NM_000388.4 (MANE Select); coding-DNA position 1541, A replaced by G.
Protein change: p.Tyr514Cys; replaces tyrosine 514 with cysteine.
Molecular consequence: missense variant.
Genome position (GRCh38, 1-based): chr3:122,275,975, A>G. VCF-style: chr3-122275975-A-G. GRCh37 (hg19) VCF-style: chr3-121994822-A-G.
Other names: c.1541A>G (NM_001178065.1, NM_000388.3); c.1541A>G, p.Tyr514Cys (NM_001178065.2); short protein forms Y514C.
Identifiers: ClinVar variation 2203416 (VCV002203416.9), dbSNP rs2473258239, ClinGen allele CA354155340.